The following is an entry in ClinVar:

ClinVar aggregate classification (germline): Uncertain significance (1 of 4 stars; one submission).

gnomAD v4.1: 43 of 1,597,118 alleles (0.0027%); highest among the groups gnomAD compares: Middle Eastern, 0.016%; no homozygotes.

Submission:

Labcorp Genetics (formerly Invitae), Labcorp
Classification: Uncertain significance. Last evaluated: 2025-03-30. Review status: criteria provided, single submitter. Criteria: Invitae Variant Classification Sherloc (09022015). Collection method: clinical testing. Allele origin: germline.
Comment: This sequence change replaces arginine, which is basic and polar, with tryptophan, which is neutral and slightly polar, at codon 625 of the FUK protein (p.Arg625Trp). The frequency data for this variant in the population databases is considered unreliable, as metrics indicate poor data quality at this position in the gnomAD database. This variant has not been reported in the literature in individuals affected with FUK-related conditions. An algorithm developed to predict the effect of missense changes on protein structure and function (PolyPhen-2) suggests that this variant is likely to be disruptive. In summary, the available evidence is currently insufficient to determine the role of this variant in disease. Therefore, it has been classified as a Variant of Uncertain Significance.

NM_145059.3(FCSK):c.1873C>T (p.Arg625Trp)

Gene: FCSK (fucose kinase; plus strand). Cytogenetic location: 16q22.1.
Variant type: single nucleotide variant.
Coding change: c.1873C>T on transcript NM_145059.3 (MANE Select); coding-DNA position 1873, C replaced by T.
Protein change: p.Arg625Trp; replaces arginine 625 with tryptophan.
Molecular consequence: missense variant.
Genome position (GRCh38, 1-based): chr16:70,474,224, C>T. VCF-style: chr16-70474224-C-T. GRCh37 (hg19) VCF-style: chr16-70508127-C-T.
Other names: short protein forms R625W.
Identifiers: ClinVar variation 4692699 (VCV004692699.1).